The following is an entry in ClinVar:

NM_002206.3(ITGA7):c.1282-11_1282-10inv

Gene: ITGA7 (integrin subunit alpha 7; minus strand). Cytogenetic location: 12q13.2.
Variant type: Inversion.
Coding change: c.1282-11_1282-10inv on transcript NM_002206.3 (MANE Select).
Molecular consequence: intron variant.
Genome position: GRCh38 VCF-style: chr12-55697832-CA-TG. GRCh37 (hg19) VCF-style: chr12-56091616-CA-TG.
Other names: c.1003-11_1003-10inv (NM_001144997.2); c.955-11_955-10inv (NM_001367993.1); c.943-11_943-10inv (NM_001414035.1); c.1099-11_1099-10inv (NM_001414033.1); c.-11-63_-11-62inv (NM_001367994.1); c.1162-11_1162-10inv (NM_001414032.1); c.1195-11_1195-10inv (NM_001414031.1); c.1282-11_1282-10inv (NM_001374465.1, NM_001414034.1); and 3 more.
Identifiers: ClinVar variation 4739436 (VCV004739436.1).

ClinVar aggregate classification (germline): Uncertain significance (1 of 4 stars; one submission).

Conditions:
Congenital muscular dystrophy due to integrin alpha-7 deficiency. Also called: Congenital muscular dystrophy with integrin alpha-7 deficiency; Muscular dystrophy, congenital, due to ITGA7 deficiency; MYOPATHY, CONGENITAL, DUE TO INTEGRIN ALPHA-7 DEFICIENCY. Identifiers: Orphanet 34520, MedGen C2750786, MONDO:0013177, OMIM 613204.

Submission:

Labcorp Genetics (formerly Invitae), Labcorp
Classification: Uncertain significance for Congenital muscular dystrophy due to integrin alpha-7 deficiency. Last evaluated: 2026-02-01. Review status: criteria provided, single submitter. Criteria: Invitae Variant Classification Sherloc (09022015). Collection method: clinical testing. Allele origin: germline.
Comment: This sequence change falls in intron 8 of the ITGA7 gene. It does not directly change the encoded amino acid sequence of the ITGA7 protein. Information on the frequency of this variant in the gnomAD database is not available, as this variant may be reported differently in the database. This variant has not been reported in the literature in individuals affected with ITGA7-related conditions. Experimental studies and prediction algorithms are not available or were not evaluated, and the effect of this variant on mRNA splicing is currently unknown. In summary, the available evidence is currently insufficient to determine the role of this variant in disease. Therefore, it has been classified as a Variant of Uncertain Significance.